The following is an entry in ClinVar:

ClinVar aggregate classification (germline): Uncertain significance (1 of 4 stars; one submission).

Allele frequency attached by ClinVar (database versions not stated): gnomAD exomes 0.00001; ExAC 0.00003.
gnomAD v4.1: 11 of 1,607,612 alleles (0.00068%); highest among the groups gnomAD compares: African/African-American, 0.0027%; no homozygotes.

Submission:

Labcorp Genetics (formerly Invitae), Labcorp
Classification: Uncertain significance. Last evaluated: 2022-02-27. Review status: criteria provided, single submitter. Criteria: Invitae Variant Classification Sherloc (09022015). Collection method: clinical testing. Allele origin: germline.
Comment: This variant has not been reported in the literature in individuals affected with PLEKHM2-related conditions. In summary, the available evidence is currently insufficient to determine the role of this variant in disease. Therefore, it has been classified as a Variant of Uncertain Significance. Algorithms developed to predict the effect of missense changes on protein structure and function (SIFT, PolyPhen-2, Align-GVGD) all suggest that this variant is likely to be disruptive. The frequency data for this variant in the population databases is considered unreliable, as metrics indicate poor data quality at this position in the gnomAD database. This sequence change replaces arginine, which is basic and polar, with tryptophan, which is neutral and slightly polar, at codon 36 of the PLEKHM2 protein (p.Arg36Trp).

NM_015164.4(PLEKHM2):c.106C>T (p.Arg36Trp)

Gene: PLEKHM2 (pleckstrin homology and RUN domain containing M2; plus strand). Cytogenetic location: 1p36.21.
Variant type: single nucleotide variant.
Coding change: c.106C>T on transcript NM_015164.4 (MANE Select); coding-DNA position 106, C replaced by T.
Protein change: p.Arg36Trp; replaces arginine 36 with tryptophan.
Molecular consequence: missense variant.
Genome position (GRCh38, 1-based): chr1:15,716,282, C>T. VCF-style: chr1-15716282-C-T. GRCh37 (hg19) VCF-style: chr1-16042777-C-T.
Other names: c.106C>T, p.Arg36Trp (NM_001410755.1); short protein forms R36W.
Identifiers: ClinVar variation 1988343 (VCV001988343.4), dbSNP rs776184003, ClinGen allele CA616597.